The following is an entry in ClinVar:

ClinVar aggregate classification (germline): Uncertain significance (1 of 4 stars; one submission).

Allele frequency attached by ClinVar (database versions not stated): gnomAD exomes below 0.00001; ExAC 0.00001; TOPMed 0.00002; gnomAD 0.00001; ESP Exome Variant Server 0.00008.

Submission:

Labcorp Genetics (formerly Invitae), Labcorp
Classification: Uncertain significance. Last evaluated: 2025-08-29. Review status: criteria provided, single submitter. Criteria: Invitae Variant Classification Sherloc (09022015). Collection method: clinical testing. Allele origin: germline.
Comment: This sequence change creates a premature translational stop signal (p.Arg310*) in the RASA2 gene. It is expected to result in an absent or disrupted protein product. However, the current clinical and genetic evidence is not sufficient to establish whether loss-of-function variants in RASA2 cause disease. This variant is present in population databases (rs147826658, gnomAD 0.006%). This variant has not been reported in the literature in individuals affected with RASA2-related conditions. ClinVar contains an entry for this variant (Variation ID: 2796434). In summary, the available evidence is currently insufficient to determine the role of this variant in disease. Therefore, it has been classified as a Variant of Uncertain Significance.

NM_006506.5(RASA2):c.928C>T (p.Arg310Ter)

Gene: RASA2 (RAS p21 protein activator 2; plus strand). Cytogenetic location: 3q23.
Variant type: single nucleotide variant.
Coding change: c.928C>T on transcript NM_006506.5 (MANE Select); coding-DNA position 928, C replaced by T.
Protein change: p.Arg310Ter; replaces arginine 310 with a stop codon.
Molecular consequence: nonsense.
Genome position (GRCh38, 1-based): chr3:141,570,976, C>T. VCF-style: chr3-141570976-C-T. GRCh37 (hg19) VCF-style: chr3-141289818-C-T.
Other names: c.928C>T, p.Arg310Ter (NM_001303245.3, NM_001303246.3); short protein forms R310*.
Identifiers: ClinVar variation 2796434 (VCV002796434.3), dbSNP rs147826658, ClinGen allele CA2645368.